The following is an entry in ClinVar:

ClinVar aggregate classification (germline): Likely pathogenic. Review status: criteria provided, multiple submitters, no conflicts (2 of 4 stars). 3 submissions from 3 submitters: Likely pathogenic (3). Last evaluated 2025-09-23.

Conditions:
Cardiovascular phenotype. Identifiers: MedGen CN230736.
Dilated cardiomyopathy 1G (CMD1G). Identifiers: Orphanet 154, MedGen C1858763, MONDO:0011400, OMIM 604145.
Autosomal recessive limb-girdle muscular dystrophy type 2J (LGMDR10). Also called: Limb-girdle muscular dystrophy, type 2J; MUSCULAR DYSTROPHY, LIMB-GIRDLE, AUTOSOMAL RECESSIVE 10. Identifiers: Orphanet 140922, MedGen C1837342, MONDO:0012127, OMIM 608807.
Primary dilated cardiomyopathy (DCM). Also called: Dilated Cardiomyopathy. Identifiers: Orphanet 217604, MedGen C0007193, MeSH D002311, MONDO:0005021, HP:0001644. Inheritance: Various modes of inheritance.

Submissions (3):

Ambry Genetics
Classification: Likely pathogenic for Cardiovascular phenotype. Last evaluated: 2025-09-23. Review status: criteria provided, single submitter. Criteria: Ambry Variant Classification Scheme 2023. Collection method: clinical testing. Allele origin: germline.
Comment: The c.33658dupG variant, located in coding exon 131 of the TTN gene, results from a duplication of G at nucleotide position 33658, causing a translational frameshift with a predicted alternate stop codon (p.E11220Gfs*14). This exon is located in the A-band region of the N2-B isoform of the titin protein and is constitutively expressed in TTN transcripts (percent spliced in or PSI 100%). This variant is expected to result in loss of function by premature protein truncation or nonsense-mediated mRNA decay. While truncating variants in TTN are present in 1-3% of the general population, truncating variants in the A-band are the most common cause of dilated cardiomyopathy (Herman DS et al. N. Engl. J. Med., 2012 Feb;366:619-28; Roberts AM et al. Sci Transl Med, 2015 Jan;7:270ra6). TTN truncating variants encoded in constitutive exons (PSI >90%) have been found to be significantly associated with DCM regardless of their position in titin (Schafer S et al. Nat. Genet., 2017 01;49:46-53; Akhtar MM et al. Circ Heart Fail, 2020 Oct;13:e006832; Massier M et al. Clin Genet, 2025 Jan). This variant is considered to be rare based on population cohorts in the Genome Aggregation Database (gnomAD). Based on the majority of available evidence to date, this variant is likely to be pathogenic.

Lildballe Lab, Aarhus University Hospital
Classification: Likely pathogenic for dilated cardiomyopathy. Last evaluated: 2024-03-01. Review status: criteria provided, single submitter. Criteria: ACMG Guidelines, 2015. Collection method: research. Allele origin: germline. Affected: yes.
Comment: PVS1(vs), PM2(sup)

Labcorp Genetics (formerly Invitae), Labcorp
Classification: Likely pathogenic for Dilated cardiomyopathy 1G; Autosomal recessive limb-girdle muscular dystrophy type 2J. Last evaluated: 2020-06-19. Review status: criteria provided, single submitter. Criteria: Invitae Variant Classification Sherloc (09022015). Collection method: clinical testing. Allele origin: germline.
Comment: In summary, the currently available evidence indicates that the variant is pathogenic, but additional data are needed to prove that conclusively. Therefore, this variant has been classified as Likely Pathogenic. This variant is located in the A band of TTN (PMID: 25589632). Truncating variants in this region are significantly overrepresented in patients affected with dilated cardiomyopathy (PMID: 25589632). Truncating variants in this region have also been reported in individuals affected with autosomal recessive centronuclear myopathy (PMID: 23975875). This variant has not been reported in the literature in individuals with TTN-related conditions. This variant is not present in population databases (ExAC no frequency). This sequence change results in a premature translational stop signal in the TTN gene (p.Glu20285Glyfs*14). While this is not anticipated to result in nonsense mediated decay, it is expected to create a truncated TTN protein.

Literature cited by the submitters: PubMed 25741930 (cited by Lildballe Lab, Aarhus University Hospital); PubMed 39481677 (cited by Lildballe Lab, Aarhus University Hospital); PubMed 25589632 (cited by Labcorp Genetics (formerly Invitae), Labcorp); PubMed 23975875 (cited by Labcorp Genetics (formerly Invitae), Labcorp).

NM_001267550.2(TTN):c.60853dup (p.Glu20285fs)

Genes: TTN (titin; minus strand), TTN-AS1 (TTN antisense RNA 1; plus strand). Cytogenetic location: 2q31.2.
Variant type: Duplication.
Coding change: c.60853dup on transcript NM_001267550.2 (MANE Select); coding-DNA position 60853, one base duplicated (G; older notation c.60853dupG).
Protein change: p.Glu20285fs; shifts the reading frame from glutamic acid 20285.
Molecular consequence: frameshift variant.
Genome position (GRCh38, 1-based): chr2:178,590,872, C duplicated on the plus strand (G on the coding strand, the reverse complement: TTN is on the minus strand). VCF-style (leftmost placement, unchanged base first): chr2-178590871-T-TC. GRCh37 (hg19) VCF-style: chr2-179455598-T-TC.
Other names: c.33658dupG (NM_003319.4); c.55930dup, p.Glu18644fs (NM_001256850.1); c.33658dup, p.Glu11220fs (NM_003319.4); c.53149dup, p.Glu17717fs (NM_133378.4); c.34033dup, p.Glu11345fs (NM_133432.3); c.34234dup, p.Glu11412fs (NM_133437.4); short protein forms E11220fs, E11345fs, E11412fs, E17717fs, E18644fs, E20285fs.
Identifiers: ClinVar variation 1067904 (VCV001067904.11), dbSNP rs2154184643, ClinGen allele CA2499215403.